The following is an entry in ClinVar:

ClinVar aggregate classification (germline): Uncertain significance (1 of 4 stars; one submission).

Conditions:
Inborn genetic diseases. Identifiers: MedGen C0950123, MeSH D030342.

Submission:

Ambry Genetics
Classification: Uncertain significance for Inborn genetic diseases. Last evaluated: 2021-04-28. Review status: criteria provided, single submitter. Criteria: Ambry Variant Classification Scheme 2023. Collection method: clinical testing. Allele origin: germline.
Comment: The c.415G>T (p.A139S) alteration is located in exon 4 (coding exon 4) of the TNFRSF11A gene. This alteration results from a G to T substitution at nucleotide position 415, causing the alanine (A) at amino acid position 139 to be replaced by a serine (S). The p.A139S alteration is predicted to be tolerated by in silico analysis. Based on insufficient or conflicting evidence, the clinical significance of this alteration remains unclear.

NM_003839.4(TNFRSF11A):c.415G>T (p.Ala139Ser)

Gene: TNFRSF11A (TNF receptor superfamily member 11a; plus strand). Cytogenetic location: 18q21.33.
Variant type: single nucleotide variant.
Coding change: c.415G>T on transcript NM_003839.4 (MANE Select); coding-DNA position 415, G replaced by T.
Protein change: p.Ala139Ser; replaces alanine 139 with serine.
Molecular consequence: missense variant.
Genome position (GRCh38, 1-based): chr18:62,354,522, G>T. VCF-style: chr18-62354522-G-T. GRCh37 (hg19) VCF-style: chr18-60021755-G-T.
Other names: c.415G>T, p.Ala139Ser (NM_001270949.2, NM_001270950.2, NM_001270951.2 and 1 more transcripts); short protein forms A139S.
Identifiers: ClinVar variation 2215860 (VCV002215860.2), dbSNP rs992687085, ClinGen allele CA301693700.